The following is an entry in ClinVar:

ClinVar aggregate classification (germline): Pathogenic (1 of 4 stars; one submission).

Conditions:
Familial cancer of breast. Also called: BREAST CANCER, FAMILIAL; Hereditary breast cancer; hereditary breast carcinoma. Identifiers: Orphanet 227535, MedGen C0346153, MONDO:0016419, OMIM 114480. Disease mechanism: loss of function.

Submission:

Myriad Genetics, Inc.
Classification: Pathogenic for Familial cancer of breast. Last evaluated: 2024-01-18. Review status: criteria provided, single submitter. Criteria: Myriad Autosomal Dominant, Autosomal Recessive and X-Linked Classification Criteria (2023). Collection method: clinical testing. Allele origin: unknown.
Comment: This variant is considered pathogenic. This variant creates a frameshift predicted to result in premature protein truncation.

NM_000051.4(ATM):c.2977del (p.His993fs)

Gene: ATM (ATM serine/threonine kinase; plus strand). Cytogenetic location: 11q22.3.
Variant type: Deletion.
Coding change: c.2977del on transcript NM_000051.4 (MANE Select); coding-DNA position 2977, one base deleted (C; older notation c.2977delC).
Protein change: p.His993fs; shifts the reading frame from histidine 993.
Molecular consequence: frameshift variant.
Genome position (GRCh38, 1-based): chr11:108,271,306, C deleted; the last of 2 consecutive C bases (chr11:108,271,305-108,271,306); deleting either gives the same sequence. VCF-style (leftmost placement, unchanged base first): chr11-108271304-AC-A. GRCh37 (hg19) VCF-style: chr11-108142031-AC-A.
Other names: c.2977del, p.His993fs (NM_001351834.2); short protein forms H993fs.
Identifiers: ClinVar variation 3148455 (VCV003148455.1), dbSNP rs2497687744, ClinGen allele CA2825001818.